The following is an entry in ClinVar:

NM_018139.3(DNAAF2):c.181C>T (p.Arg61Cys)

Gene: DNAAF2 (dynein axonemal assembly factor 2; minus strand). Cytogenetic location: 14q21.3.
Variant type: single nucleotide variant.
Coding change: c.181C>T on transcript NM_018139.3 (MANE Select); coding-DNA position 181, C replaced by T.
Protein change: p.Arg61Cys; replaces arginine 61 with cysteine.
Molecular consequence: missense variant.
Genome position (GRCh38, 1-based): chr14:49,634,969, G>A on the plus strand (C>T on the coding strand, the complement: DNAAF2 is on the minus strand). VCF-style: chr14-49634969-G-A. GRCh37 (hg19) VCF-style: chr14-50101687-G-A.
Other names: c.181C>T, p.Arg61Cys (NM_001083908.2); short protein forms R61C.
Identifiers: ClinVar variation 1483503 (VCV001483503.6), dbSNP rs1253214739, ClinGen allele CA389632376.
Genomic context (GRCh38, chr14:49,634,969, plus strand): 5'-TGGTGCGCAGCACATGGCCGGGCTCCGGGTGCACGAACCGCACTTCCACCCCGCGCTCAC[G>A]CTCTAGCGCGGTGATCTCCGCCTCGTAGCGCCGCCGGTTCTCCGGGTCGGTGAGCTCCTC-3'
Protein context (NP_060609.2, residues 51-71): RYEAEITALE[Arg61Cys]ERGVEVRFVH

ClinVar aggregate classification (germline): Uncertain significance (1 of 4 stars; one submission).

Conditions:
Primary ciliary dyskinesia. Also called: Ciliary dyskinesia. Identifiers: Orphanet 244, MedGen C0008780, MONDO:0016575, HP:0012265.

Allele frequency attached by ClinVar (database versions not stated): gnomAD 0.00001.
gnomAD v4.1: 7 of 1,561,188 alleles (0.00045%); highest among the groups gnomAD compares: Non-Finnish European, 0.00061%; no homozygotes.

Submission:

Labcorp Genetics (formerly Invitae), Labcorp
Classification: Uncertain significance for Primary ciliary dyskinesia. Last evaluated: 2021-10-14. Review status: criteria provided, single submitter. Criteria: Invitae Variant Classification Sherloc (09022015). Collection method: clinical testing. Allele origin: germline.
Comment: In summary, the available evidence is currently insufficient to determine the role of this variant in disease. Therefore, it has been classified as a Variant of Uncertain Significance. Algorithms developed to predict the effect of missense changes on protein structure and function are either unavailable or do not agree on the potential impact of this missense change (SIFT: "Deleterious"; PolyPhen-2: "Probably Damaging"; Align-GVGD: "Class C0"). This variant has not been reported in the literature in individuals affected with DNAAF2-related conditions. This variant is not present in population databases (ExAC no frequency). This sequence change replaces arginine with cysteine at codon 61 of the DNAAF2 protein (p.Arg61Cys). The arginine residue is moderately conserved and there is a large physicochemical difference between arginine and cysteine.